The following is an entry in ClinVar:

ClinVar aggregate classification (germline): Pathogenic/Likely pathogenic. Review status: criteria provided, multiple submitters, no conflicts (2 of 4 stars). 3 submissions from 3 submitters: Pathogenic (2); Likely pathogenic (1). Last evaluated 2025-03-31.

Conditions:
Renal carnitine transport defect (CDSP). Also called: CARNITINE DEFICIENCY, SYSTEMIC, DUE TO DEFECT IN RENAL REABSORPTION OF CARNITINE; CARNITINE TRANSPORTER, PLASMA-MEMBRANE, DEFICIENCY OF; CARNITINE UPTAKE DEFECT; Primary carnitine deficiency; Systemic primary carnitine deficiency; Carnitine transporter deficiency. Identifiers: Orphanet 158, MedGen C0342788, MONDO:0008919, OMIM 212140.

Allele frequency attached by ClinVar (database versions not stated): gnomAD 0.00001.
gnomAD v4.1: 1 of 1,614,038 alleles (0.000062%); highest among the groups gnomAD compares: African/African-American, 0.0013%; no homozygotes.

Submissions (3):

Labcorp Genetics (formerly Invitae), Labcorp
Classification: Pathogenic for Renal carnitine transport defect. Last evaluated: 2025-03-31. Review status: criteria provided, single submitter. Criteria: Invitae Variant Classification Sherloc (09022015). Collection method: clinical testing. Allele origin: germline.
Comment: This sequence change creates a premature translational stop signal (p.Gln287*) in the SLC22A5 gene. It is expected to result in an absent or disrupted protein product. Loss-of-function variants in SLC22A5 are known to be pathogenic (PMID: 9916797). This variant is not present in population databases (gnomAD no frequency). This variant has not been reported in the literature in individuals affected with SLC22A5-related conditions. ClinVar contains an entry for this variant (Variation ID: 1451189). Algorithms developed to predict the effect of sequence changes on RNA splicing suggest that this variant may disrupt the consensus splice site. For these reasons, this variant has been classified as Pathogenic.

Fulgent Genetics
Classification: Likely pathogenic for Renal carnitine transport defect. Last evaluated: 2021-09-27. Review status: criteria provided, single submitter. Criteria: ACMG Guidelines, 2015. Collection method: clinical testing. Allele origin: unknown.

Clinical Genetics Service, Universitary Hospital 12 de Octubre
Classification: Pathogenic for Renal carnitine transport defect. Review status: criteria provided, single submitter. Criteria: ACMG Guidelines, 2015. Collection method: clinical testing. Allele origin: maternal. Affected: yes.

Literature cited by the submitters: PubMed 9916797 (cited by Labcorp Genetics (formerly Invitae), Labcorp).

NM_003060.4(SLC22A5):c.859C>T (p.Gln287Ter)

Gene: SLC22A5 (solute carrier family 22 member 5; plus strand). Cytogenetic location: 5q31.1.
Variant type: single nucleotide variant.
Coding change: c.859C>T on transcript NM_003060.4 (MANE Select); coding-DNA position 859, C replaced by T.
Protein change: p.Gln287Ter; replaces glutamine 287 with a stop codon.
Molecular consequence: nonsense.
Genome position (GRCh38, 1-based): chr5:132,387,059, C>T. VCF-style: chr5-132387059-C-T. GRCh37 (hg19) VCF-style: chr5-131722751-C-T.
Other names: c.859C>T (NM_003060.3); c.931C>T, p.Gln311Ter (NM_001308122.2); short protein forms Q287*, Q311*.
Identifiers: ClinVar variation 1451189 (VCV001451189.8), dbSNP rs931801909, ClinGen allele CA127210483.